The following is an entry in ClinVar:

NM_004281.4(BAG3):c.830A>T (p.Glu277Val)

Gene: BAG3 (BAG cochaperone 3; plus strand). Cytogenetic location: 10q26.11.
Variant type: single nucleotide variant.
Coding change: c.830A>T on transcript NM_004281.4 (MANE Select); coding-DNA position 830, A replaced by T.
Protein change: p.Glu277Val; replaces glutamic acid 277 with valine.
Molecular consequence: missense variant.
Genome position (GRCh38, 1-based): chr10:119,672,577, A>T. VCF-style: chr10-119672577-A-T. GRCh37 (hg19) VCF-style: chr10-121432089-A-T.
Other names: c.830A>T (NM_004281.3); short protein forms E277V.
Identifiers: ClinVar variation 1055475 (VCV001055475.36), dbSNP rs762471704, ClinGen allele CA5716420.

ClinVar aggregate classification (germline): Uncertain significance. Review status: criteria provided, multiple submitters, no conflicts (2 of 4 stars). 6 submissions from 6 submitters: Uncertain significance (6). Last evaluated 2026-08-27.

Conditions:
Dilated cardiomyopathy 1HH (CMD1HH). Identifiers: Orphanet 154, MedGen C3151293, MONDO:0013479, OMIM 613881.
Myofibrillar myopathy 6. Identifiers: Orphanet 199340, MedGen C2751831, MONDO:0013061, OMIM 612954.
Cardiovascular phenotype. Identifiers: MedGen CN230736.

Allele frequency attached by ClinVar (database versions not stated): gnomAD exomes below 0.00001 and 0.00001; ExAC 0.00001; gnomAD 0.00001.
gnomAD v4.1: 14 of 1,613,862 alleles (0.00087%); highest among the groups gnomAD compares: South Asian, 0.014%; no homozygotes.

Submissions (6):

Ambry Genetics
Classification: Uncertain significance for Cardiovascular phenotype. Last evaluated: 2026-08-27. Review status: criteria provided, single submitter. Criteria: Ambry Variant Classification Scheme 2023. Collection method: clinical testing. Allele origin: germline.
Comment: The p.E277V variant (also known as c.830A>T), located in coding exon 3 of the BAG3 gene, results from an A to T substitution at nucleotide position 830. The glutamic acid at codon 277 is replaced by valine, an amino acid with dissimilar properties. This amino acid position is highly conserved in available vertebrate species. In addition, the in silico prediction for this alteration is inconclusive. Based on the available evidence, the clinical significance of this variant remains unclear.

Women's Health and Genetics/Laboratory Corporation of America, LabCorp
Classification: Uncertain significance. Last evaluated: 2026-04-27. Review status: criteria provided, single submitter. Criteria: LabCorp Variant Classification Summary - May 2015. Collection method: clinical testing. Allele origin: germline.
Comment: Variant summary: BAG3 c.830A>T (p.Glu277Val) results in a non-conservative amino acid change in the encoded protein sequence. Algorithms developed to predict the effect of missense changes on protein structure and function all suggest that this variant is likely to be disruptive. The variant allele was found at a frequency of 4e-06 in 250126 control chromosomes. The available data on variant occurrences in the general population are insufficient to allow any conclusion about variant significance. c.830A>T has been observed in individual(s) affected with peripheral neuropathy (e.g. Abolhassani_2024). These report(s) do not provide unequivocal conclusions about association of the variant with Dilated cardiomyopathy 1HH. To our knowledge, no experimental evidence demonstrating an impact on protein function has been reported. The following publication has been ascertained in the context of this evaluation (PMID: 38374194). ClinVar contains an entry for this variant (Variation ID: 1055475). Based on the evidence outlined above, the variant was classified as uncertain significance.

Labcorp Genetics (formerly Invitae), Labcorp
Classification: Uncertain significance for Dilated cardiomyopathy 1HH; Myofibrillar myopathy 6. Last evaluated: 2025-02-06. Review status: criteria provided, single submitter. Criteria: Invitae Variant Classification Sherloc (09022015). Collection method: clinical testing. Allele origin: germline.
Comment: This sequence change replaces glutamic acid, which is acidic and polar, with valine, which is neutral and non-polar, at codon 277 of the BAG3 protein (p.Glu277Val). This variant is present in population databases (rs762471704, gnomAD 0.003%). This missense change has been observed in individual(s) with Peripheral neuropathy (PMID: 38374194). ClinVar contains an entry for this variant (Variation ID: 1055475). Invitae Evidence Modeling of protein sequence and biophysical properties (such as structural, functional, and spatial information, amino acid conservation, physicochemical variation, residue mobility, and thermodynamic stability) has been performed for this missense variant. However, the output from this modeling did not meet the statistical confidence thresholds required to predict the impact of this variant on BAG3 protein function. In summary, the available evidence is currently insufficient to determine the role of this variant in disease. Therefore, it has been classified as a Variant of Uncertain Significance.

Revvity Omics, Revvity
Classification: Uncertain significance. Last evaluated: 2024-01-08. Review status: criteria provided, single submitter. Criteria: ACMG Guidelines, 2015. Collection method: clinical testing. Allele origin: germline.

CeGaT Center for Human Genetics Tuebingen
Classification: Uncertain significance. Last evaluated: 2022-07-01. Review status: criteria provided, single submitter. Criteria: CeGaT Center For Human Genetics Tuebingen Variant Classification Criteria Version 2. Collection method: clinical testing. Allele origin: germline. Affected: yes. Observed: 1 variant allele.

Kariminejad - Najmabadi Pathology & Genetics Center
Classification: Uncertain significance for Myofibrillar myopathy 6. Last evaluated: 2019-02-26. Review status: criteria provided, single submitter. Criteria: ACMG Guidelines, 2015. Collection method: clinical testing. Allele origin: germline. Inheritance: Autosomal dominant inheritance. Affected: yes.
Comment: PM2,PP3

Literature cited by the submitters: PubMed 38374194 (cited by Women's Health and Genetics/Laboratory Corporation of America, LabCorp and Labcorp Genetics (formerly Invitae), Labcorp).